The following is an entry in ClinVar:

NM_001036.6(RYR3):c.288A>G (p.Gln96=)

Gene: RYR3 (ryanodine receptor 3; plus strand). Cytogenetic location: 15q14.
Variant type: single nucleotide variant.
Coding change: c.288A>G on transcript NM_001036.6 (MANE Select); coding-DNA position 288, A replaced by G.
Protein change: p.Gln96=; no amino-acid change (glutamine 96 retained).
Molecular consequence: synonymous variant.
Genome position (GRCh38, 1-based): chr15:33,530,600, A>G. VCF-style: chr15-33530600-A-G. GRCh37 (hg19) VCF-style: chr15-33822801-A-G.
Other names: c.288A>G, p.Gln96= (NM_001243996.4).
Identifiers: ClinVar variation 778544 (VCV000778544.34), dbSNP rs760794454, ClinGen allele CA7457777.

ClinVar aggregate classification (germline): Likely benign. Review status: criteria provided, multiple submitters, no conflicts (2 of 4 stars). 2 submissions from 2 submitters: Likely benign (2). Last evaluated 2023-01-01.

Conditions:
Epileptic encephalopathy. Identifiers: MedGen C0543888, HP:0200134.

Allele frequency attached by ClinVar (database versions not stated): ExAC 0.00004; gnomAD exomes 0.00006 and 0.00023; gnomAD 0.00008 and 0.00009; TOPMed 0.00009.
gnomAD v4.1: 351 of 1,612,694 alleles (0.022%); highest among the groups gnomAD compares: Non-Finnish European, 0.028%; no homozygotes.

Submissions (2):

CeGaT Center for Human Genetics Tuebingen
Classification: Likely benign. Last evaluated: 2023-01-01. Review status: criteria provided, single submitter. Criteria: CeGaT Center For Human Genetics Tuebingen Variant Classification Criteria Version 2. Collection method: clinical testing. Allele origin: germline. Affected: yes. Observed: 1 variant allele.
Comment: RYR3: BP4, BP7

Labcorp Genetics (formerly Invitae), Labcorp
Classification: Likely benign for Epileptic encephalopathy. Last evaluated: 2020-05-06. Review status: criteria provided, single submitter. Criteria: Invitae Variant Classification Sherloc (09022015). Collection method: clinical testing. Allele origin: germline.